The following is an entry in ClinVar:

NM_000426.4(LAMA2):c.2857-48C>T

Gene: LAMA2 (laminin subunit alpha 2; plus strand). Cytogenetic location: 6q22.33.
Variant type: single nucleotide variant.
Coding change: c.2857-48C>T on transcript NM_000426.4 (MANE Select); 48 bases into the intron before coding-DNA position 2857, C replaced by T.
Molecular consequence: intron variant.
Genome position (GRCh38, 1-based): chr6:129,297,637, C>T. VCF-style: chr6-129297637-C-T. GRCh37 (hg19) VCF-style: chr6-129618782-C-T.
Other names: c.2857-48C>T (NM_001079823.2).
Identifiers: ClinVar variation 3036374 (VCV003036374.2), dbSNP rs373949307, ClinGen allele CA3993085.

ClinVar aggregate classification (germline): Likely benign (0 of 4 stars; one submission).

Conditions:
LAMA2-related disorder. Also called: LAMA2-related condition; LAMA2-related disorders.

Allele frequency attached by ClinVar (database versions not stated): TOPMed 0.00026; ESP Exome Variant Server 0.00031.
gnomAD v4.1: 83 of 1,568,766 alleles (0.0053%); highest among the groups gnomAD compares: African/African-American, 0.095%; no homozygotes.

Submission:

PreventionGenetics, part of Exact Sciences
Classification: Likely benign for LAMA2-related condition. Last evaluated: 2020-12-23. Review status: no assertion criteria provided. Collection method: clinical testing. Allele origin: germline.
Comment: This variant is classified as likely benign based on ACMG/AMP sequence variant interpretation guidelines (Richards et al. 2015 PMID: 25741868, with internal and published modifications).